The following is an entry in ClinVar:

NM_000057.4(BLM):c.1096A>T (p.Ile366Leu)

Gene: BLM (BLM RecQ like helicase; plus strand). Cytogenetic location: 15q26.1.
Variant type: single nucleotide variant.
Coding change: c.1096A>T on transcript NM_000057.4 (MANE Select); coding-DNA position 1096, A replaced by T.
Protein change: p.Ile366Leu; replaces isoleucine 366 with leucine.
Molecular consequence: missense variant. On other transcripts: 5 prime UTR variant (1).
Genome position (GRCh38, 1-based): chr15:90,760,155, A>T. VCF-style: chr15-90760155-A-T. GRCh37 (hg19) VCF-style: chr15-91303385-A-T.
Other names: c.1096A>T, p.Ile366Leu (NM_001287246.2, NM_001287247.2); c.-30A>T (NM_001287248.2); short protein forms I366L.
Identifiers: ClinVar variation 4867466 (VCV004867466.1).

ClinVar aggregate classification (germline): Uncertain significance (1 of 4 stars; one submission).

Conditions:
Hereditary cancer-predisposing syndrome. Also called: Neoplastic Syndromes, Hereditary; Tumor predisposition; Hereditary Cancer Syndrome; Hereditary neoplastic syndrome. Identifiers: Orphanet 140162, MedGen C0027672, MeSH D009386, MONDO:0015356.

Submission:

Ambry Genetics
Classification: Uncertain significance for Hereditary cancer-predisposing syndrome. Last evaluated: 2026-05-15. Review status: criteria provided, single submitter. Criteria: Ambry Variant Classification Scheme 2023. Collection method: clinical testing. Allele origin: germline.
Comment: The p.I366L variant (also known as c.1096A>T), located in coding exon 5 of the BLM gene, results from an A to T substitution at nucleotide position 1096. The isoleucine at codon 366 is replaced by leucine, an amino acid with highly similar properties. This amino acid position is conserved. In addition, this alteration is predicted to be tolerated by in silico analysis. Based on the available evidence, the clinical significance of this variant remains unclear.